The following is an entry in ClinVar:

NM_001010867.4(IBA57):c.682G>C (p.Val228Leu)

Gene: IBA57 (iron-sulfur cluster assembly factor IBA57; plus strand). Cytogenetic location: 1q42.13.
Variant type: single nucleotide variant.
Coding change: c.682G>C on transcript NM_001010867.4 (MANE Select); coding-DNA position 682, G replaced by C.
Protein change: p.Val228Leu; replaces valine 228 with leucine.
Molecular consequence: missense variant.
Genome position (GRCh38, 1-based): chr1:228,175,124, G>C. VCF-style: chr1-228175124-G-C. GRCh37 (hg19) VCF-style: chr1-228362825-G-C.
Other names: c.103G>C, p.Val35Leu (NM_001310327.2); c.682G>C (NM_001010867.2); short protein forms V228L, V35L.
Identifiers: ClinVar variation 1381465 (VCV001381465.8), dbSNP rs777266229, ClinGen allele CA1431230.

ClinVar aggregate classification (germline): Uncertain significance. Review status: criteria provided, multiple submitters, no conflicts (2 of 4 stars). 3 submissions from 3 submitters: Uncertain significance (3). Last evaluated 2022-11-10.

Conditions:
Multiple mitochondrial dysfunctions syndrome 3 (MMDS3). Identifiers: Orphanet 363424, MedGen C3809165, MONDO:0014132, OMIM 615330.
Hereditary spastic paraplegia 74. Also called: Spastic paraplegia 74, autosomal recessive. Identifiers: Orphanet 468661, MedGen C5568837, MONDO:0014644, OMIM 616451.
Inborn genetic diseases. Identifiers: MedGen C0950123, MeSH D030342.

gnomAD v4.1: 11 of 1,611,208 alleles (0.00068%); highest among the groups gnomAD compares: African/African-American, 0.0013%; no homozygotes.

Submissions (3):

Ambry Genetics
Classification: Uncertain significance for Inborn genetic diseases. Last evaluated: 2022-11-10. Review status: criteria provided, single submitter. Criteria: Ambry Variant Classification Scheme 2023. Collection method: clinical testing. Allele origin: germline.

Blueprint Genetics
Classification: Uncertain significance. Last evaluated: 2022-10-24. Review status: criteria provided, single submitter. Criteria: ACMG Guidelines, 2015. Collection method: clinical testing. Allele origin: germline.

Labcorp Genetics (formerly Invitae), Labcorp
Classification: Uncertain significance for Multiple mitochondrial dysfunctions syndrome 3; Hereditary spastic paraplegia 74. Last evaluated: 2022-08-09. Review status: criteria provided, single submitter. Criteria: Invitae Variant Classification Sherloc (09022015). Collection method: clinical testing. Allele origin: germline.
Comment: In summary, the available evidence is currently insufficient to determine the role of this variant in disease. Therefore, it has been classified as a Variant of Uncertain Significance. Algorithms developed to predict the effect of missense changes on protein structure and function (SIFT, PolyPhen-2, Align-GVGD) all suggest that this variant is likely to be tolerated. ClinVar contains an entry for this variant (Variation ID: 1381465). This variant has not been reported in the literature in individuals affected with IBA57-related conditions. This variant is present in population databases (rs777266229, gnomAD 0.004%). This sequence change replaces valine, which is neutral and non-polar, with leucine, which is neutral and non-polar, at codon 228 of the IBA57 protein (p.Val228Leu).